The following is an entry in ClinVar:

ClinVar aggregate classification (germline): Uncertain significance (1 of 4 stars; one submission).

Conditions:
FOXC2-related disorder. Also called: FOXC2-related condition.

gnomAD v4.1: 1 of 1,613,200 alleles (0.000062%); highest among the groups gnomAD compares: Non-Finnish European, 0.000085%; no homozygotes.

Submission:

PreventionGenetics, part of Exact Sciences
Classification: Uncertain significance for FOXC2-related condition. Last evaluated: 2026-05-19. Review status: criteria provided, single submitter. Criteria: ACMG Guidelines, 2015. Collection method: clinical testing. Allele origin: germline.
Comment: The FOXC2 c.100A>G variant is predicted to result in the amino acid substitution p.Met34Val. To our knowledge, this variant has not been reported in the literature or in a large population database (gnomAD), indicating this variant is rare. At this time, the clinical significance of this variant is uncertain due to the absence of conclusive functional and genetic evidence.

NM_005251.3(FOXC2):c.100A>G (p.Met34Val)

Genes: FOXC2 (forkhead box C2; plus strand), FOXC2-AS1 (FOXC2 antisense RNA 1; minus strand). Cytogenetic location: 16q24.1.
Variant type: single nucleotide variant.
Coding change: c.100A>G on transcript NM_005251.3 (MANE Select); coding-DNA position 100, A replaced by G.
Protein change: p.Met34Val; replaces methionine 34 with valine.
Molecular consequence: missense variant.
Genome position (GRCh38, 1-based): chr16:86,567,435, A>G. VCF-style: chr16-86567435-A-G. GRCh37 (hg19) VCF-style: chr16-86601041-A-G.
Other names: short protein forms M34V.
Identifiers: ClinVar variation 4991484 (VCV004991484.1).